The following is an entry in ClinVar:

NM_001378454.1(ALMS1):c.7044T>G (p.Ile2348Met)

Gene: ALMS1 (ALMS1 centrosome and basal body associated protein; plus strand). Cytogenetic location: 2p13.1.
Variant type: single nucleotide variant.
Coding change: c.7044T>G on transcript NM_001378454.1 (MANE Select); coding-DNA position 7044, T replaced by G.
Protein change: p.Ile2348Met; replaces isoleucine 2348 with methionine.
Molecular consequence: missense variant.
Genome position (GRCh38, 1-based): chr2:73,453,571, T>G. VCF-style: chr2-73453571-T-G. GRCh37 (hg19) VCF-style: chr2-73680698-T-G.
Other names: c.7047T>G, p.Ile2349Met (NM_015120.4); short protein forms I2348M, I2349M.
Identifiers: ClinVar variation 1756857 (VCV001756857.2), dbSNP rs2466111131, ClinGen allele CA347290675.

ClinVar aggregate classification (germline): Uncertain significance (1 of 4 stars; one submission).

Conditions:
Cardiovascular phenotype. Identifiers: MedGen CN230736.

Allele frequency attached by ClinVar (database versions not stated): gnomAD exomes below 0.00001.
gnomAD v4.1: 2 of 1,613,744 alleles (0.00012%); highest among the groups gnomAD compares: Non-Finnish European, 0.00017%; no homozygotes.

Submission:

Ambry Genetics
Classification: Uncertain significance for Cardiovascular phenotype. Last evaluated: 2020-02-21. Review status: criteria provided, single submitter. Criteria: Ambry Variant Classification Scheme 2023. Collection method: clinical testing. Allele origin: germline.
Comment: The p.I2349M variant (also known as c.7047T>G), located in coding exon 8 of the ALMS1 gene, results from a T to G substitution at nucleotide position 7047. The isoleucine at codon 2349 is replaced by methionine, an amino acid with highly similar properties. This amino acid position is well conserved in available vertebrate species. In addition, this alteration is predicted to be tolerated by in silico analysis. Since supporting evidence is limited at this time, the clinical significance of this alteration remains unclear.